The following is an entry in ClinVar:

ClinVar aggregate classification (germline): Uncertain significance (1 of 4 stars; one submission).

Conditions:
Fabry disease. Also called: Fabry's disease; ALPHA-GALACTOSIDASE A DEFICIENCY; ANDERSON-FABRY DISEASE; CERAMIDE TRIHEXOSIDASE DEFICIENCY; GLA DEFICIENCY; HEREDITARY DYSTOPIC LIPIDOSIS. Identifiers: Orphanet 324, MedGen C0002986, MONDO:0010526, OMIM 301500, HP:0001071. Disease mechanism: Fabry disease is due to inactivating mutations in the X-linked GLA gene resulting in deficiency of the enzyme Alpha Galactosidase-A., loss of function.

Submission:

Genomenon, Inc
Classification: Uncertain significance for Fabry disease. Last evaluated: 2026-09-08. Review status: criteria provided, single submitter. Criteria: Genomenon Sequence Variant Interpretation Standards - Updated. Collection method: curation. Allele origin: germline. Affected: yes.
Comment: GLA p.Thr39Ser (c.115A>T) is a missense variant that changes the amino acid at codon 39 from Threonine to Serine. This variant has been observed in at least one proband with clinical features consistent with Fabry disease (PMID:30739116). It is absent or not present at a significant frequency in gnomAD. In silico models predict that this variant is possibly or probably damaging. In conclusion, we classify GLA p.Thr39Ser (c.115A>T) as a variant of uncertain significance.

Literature cited by the submitters: PubMed 30739116.

NM_000169.3(GLA):c.115A>T (p.Thr39Ser)

Genes: GLA (galactosidase alpha; minus strand), RPL36A-HNRNPH2 (RPL36A-HNRNPH2 readthrough; plus strand). Cytogenetic location: Xq22.1.
Variant type: single nucleotide variant.
Coding change: c.115A>T on transcript NM_000169.3 (MANE Select); coding-DNA position 115, A replaced by T.
Protein change: p.Thr39Ser; replaces threonine 39 with serine.
Molecular consequence: missense variant. On other transcripts: non-coding transcript variant (3), intron variant (2).
Genome position (GRCh38, 1-based): chrX:101,407,789, T>A on the plus strand (A>T on the coding strand, the complement: GLA is on the minus strand). VCF-style: chrX-101407789-T-A. GRCh37 (hg19) VCF-style: chrX-100662777-T-A.
Other names: c.115A>T, p.Thr39Ser (NM_001406747.1, NM_001406748.1, NM_001406749.1); c.301-4147T>A (NM_001199973.2); c.178-4147T>A (NM_001199974.2); short protein forms T39S.
Identifiers: ClinVar variation 4974828 (VCV004974828.1).